The following is an entry in ClinVar:

ClinVar aggregate classification (germline): Likely pathogenic (1 of 4 stars; one submission).

Conditions:
Intellectual developmental disorder, autosomal dominant 73 (MRD73). Also called: TAF4-RELATED NDD; TAF4-RELATED NEURODEVELOPMENTAL DISORDER. Identifiers: MedGen C5830636, MONDO:0957536, OMIM 620450.

Submission:

MVZ Medizinische Genetik Mainz
Classification: Likely pathogenic for Intellectual developmental disorder, autosomal dominant 73. Last evaluated: 2023-08-31. Review status: criteria provided, single submitter. Criteria: UK Practice Guidelines For Variant Classification V4 01 2020. Collection method: clinical testing. Allele origin: germline. Inheritance: Autosomal dominant inheritance. Affected: yes. Observed: 1 variant allele.
Comment: ACMG Criteria: PVS1,PP3

NM_003185.4(TAF4):c.213_268del (p.Gly72fs)

Gene: TAF4 (TATA-box binding protein associated factor 4; minus strand). Cytogenetic location: 20q13.33.
Variant type: Deletion.
Coding change: c.213_268del on transcript NM_003185.4 (MANE Select); coding-DNA positions 213 to 268, 56 bases deleted.
Protein change: p.Gly72fs; shifts the reading frame from glycine 72.
Molecular consequence: frameshift variant.
Genome position (GRCh38, 1-based): chr20:62,065,543-62,065,598, 56 bases deleted. GRCh37 (hg19): chr20:60,640,610-60,640,665.
Other names: short protein forms G72fs.
Identifiers: ClinVar variation 3236097 (VCV003236097.1), dbSNP rs2516041786, ClinGen allele CA2825002841.